The following is an entry in ClinVar:

NM_000321.3(RB1):c.1421+11dup

Gene: RB1 (RB transcriptional corepressor 1; plus strand). Cytogenetic location: 13q14.2.
Variant type: Duplication.
Coding change: c.1421+11dup on transcript NM_000321.3 (MANE Select); 11 bases into the intron after coding-DNA position 1421, one base duplicated (T; older notation c.1421+11dupT).
Molecular consequence: intron variant.
Genome position (GRCh38, 1-based): chr13:48,380,095, T duplicated; the last of 6 consecutive T bases (chr13:48,380,090-48,380,095); duplicating any one gives the same sequence. VCF-style (leftmost placement, unchanged base first): chr13-48380089-A-AT. GRCh37 (hg19) VCF-style: chr13-48954225-A-AT.
Identifiers: ClinVar variation 1118752 (VCV001118752.9), dbSNP rs1222617235, ClinGen allele CA698674998.

ClinVar aggregate classification (germline): Conflicting classifications of pathogenicity. Review status: criteria provided, conflicting classifications (1 of 4 stars). 2 submissions from 2 submitters: Uncertain significance (1); Likely benign (1). Last evaluated 2025-06-25.

Conditions:
Retinoblastoma (RB1). Also called: RETINOBLASTOMA, SOMATIC. Identifiers: Orphanet 790, MedGen C0035335, MeSH D012175, MONDO:0008380, OMIM 180200, HP:0009919. Disease mechanism: loss of function. Inheritance: Both sporadic and heritable forms are tested..

Submissions (2):

Color Diagnostics, LLC DBA Color Health
Classification: Uncertain significance for Retinoblastoma. Last evaluated: 2025-06-25. Review status: criteria provided, single submitter. Criteria: ACMG Guidelines, 2015. Collection method: clinical testing. Allele origin: germline.
Comment: This variant causes a duplication of a single nucleotide in intron 15 splice donor site of the RB1 gene. To our knowledge, functional studies have not been reported for this variant. This variant has not been reported in individuals affected with RB1-related disorders in the literature. This variant has not been identified in the general population by the Genome Aggregation Database (gnomAD). The available evidence is insufficient to determine the role of this variant in disease conclusively. Therefore, this variant is classified as a Variant of Uncertain Significance.

Labcorp Genetics (formerly Invitae), Labcorp
Classification: Likely benign for Retinoblastoma. Last evaluated: 2024-11-05. Review status: criteria provided, single submitter. Criteria: Invitae Variant Classification Sherloc (09022015). Collection method: clinical testing. Allele origin: germline.